The following is an entry in ClinVar:

NM_001127178.3(PIGG):c.1954T>C (p.Trp652Arg)

Gene: PIGG (phosphatidylinositol glycan anchor biosynthesis class G (EMM blood group); plus strand). Cytogenetic location: 4p16.3.
Variant type: single nucleotide variant.
Coding change: c.1954T>C on transcript NM_001127178.3 (MANE Select); coding-DNA position 1954, T replaced by C.
Protein change: p.Trp652Arg; replaces tryptophan 652 with arginine.
Molecular consequence: missense variant. On other transcripts: non-coding transcript variant (6).
Genome position (GRCh38, 1-based): chr4:523,798, T>C. VCF-style: chr4-523798-T-C. GRCh37 (hg19) VCF-style: chr4-517587-T-C.
Other names: c.1954T>C (NM_001127178.1); c.1687T>C, p.Trp563Arg (NM_001289051.2, NM_001345986.2); c.1555T>C, p.Trp519Arg (NM_001289052.2); c.1663T>C, p.Trp555Arg (NM_001345987.2); c.925T>C, p.Trp309Arg (NM_001345988.2); c.421T>C, p.Trp141Arg (NM_001345990.2, NM_001345991.2); c.856T>C, p.Trp286Arg (NM_001345994.2); c.1930T>C, p.Trp644Arg (NM_017733.5); short protein forms W563R, W644R, W309R, W555R, W141R, W286R, W519R, W652R.
Identifiers: ClinVar variation 962177 (VCV000962177.9), dbSNP rs1385386286, ClinGen allele CA355907743.

ClinVar aggregate classification (germline): Uncertain significance. Review status: criteria provided, multiple submitters, no conflicts (2 of 4 stars). 2 submissions from 2 submitters: Uncertain significance (2). Last evaluated 2025-06-18.

Conditions:
Intellectual disability, autosomal recessive 53 (NEDHSCA). Also called: NEURODEVELOPMENTAL DISORDER WITH OR WITHOUT HYPOTONIA, SEIZURES, AND CEREBELLAR ATROPHY; GLYCOSYLPHOSPHATIDYLINOSITOL BIOSYNTHESIS DEFECT 13; Mental retardation, autosomal recessive 53. Identifiers: Orphanet 488635, MedGen C4310794, MONDO:0014832, OMIM 616917.
Inborn genetic diseases. Identifiers: MedGen C0950123, MeSH D030342.

Allele frequency attached by ClinVar (database versions not stated): gnomAD 0.00001; gnomAD exomes 0.00001 and 0.00002; TOPMed 0.00002.
gnomAD v4.1: 9 of 1,613,384 alleles (0.00056%); highest among the groups gnomAD compares: Admixed American, 0.012%; no homozygotes.

Submissions (2):

Ambry Genetics
Classification: Uncertain significance for Inborn genetic diseases. Last evaluated: 2025-06-18. Review status: criteria provided, single submitter. Criteria: Ambry Variant Classification Scheme 2023. Collection method: clinical testing. Allele origin: germline.

Labcorp Genetics (formerly Invitae), Labcorp
Classification: Uncertain significance for Intellectual disability, autosomal recessive 53. Last evaluated: 2022-06-18. Review status: criteria provided, single submitter. Criteria: Invitae Variant Classification Sherloc (09022015). Collection method: clinical testing. Allele origin: germline.
Comment: This sequence change replaces tryptophan, which is neutral and slightly polar, with arginine, which is basic and polar, at codon 652 of the PIGG protein (p.Trp652Arg). This variant is present in population databases (no rsID available, gnomAD 0.02%). This variant has not been reported in the literature in individuals affected with PIGG-related conditions. ClinVar contains an entry for this variant (Variation ID: 962177). Algorithms developed to predict the effect of missense changes on protein structure and function output the following: SIFT: "Tolerated"; PolyPhen-2: "Benign"; Align-GVGD: "Class C0". The arginine amino acid residue is found in multiple mammalian species, which suggests that this missense change does not adversely affect protein function. In summary, the available evidence is currently insufficient to determine the role of this variant in disease. Therefore, it has been classified as a Variant of Uncertain Significance.